The following is an entry in ClinVar:

NM_001029883.3(PCARE):c.601A>T (p.Ile201Phe)

Gene: PCARE (photoreceptor cilium actin regulator; minus strand). Cytogenetic location: 2p23.2.
Variant type: single nucleotide variant.
Coding change: c.601A>T on transcript NM_001029883.3 (MANE Select); coding-DNA position 601, A replaced by T.
Protein change: p.Ile201Phe; replaces isoleucine 201 with phenylalanine.
Molecular consequence: missense variant.
Genome position (GRCh38, 1-based): chr2:29,073,661, T>A on the plus strand (A>T on the coding strand, the complement: PCARE is on the minus strand). VCF-style: chr2-29073661-T-A. GRCh37 (hg19) VCF-style: chr2-29296527-T-A.
Other names: short protein forms I201F.
Identifiers: ClinVar variation 102 (VCV000000102.6), dbSNP rs267606690, ClinGen allele CA251386.

ClinVar aggregate classification (germline): Uncertain significance. Review status: criteria provided, single submitter (1 of 4 stars). 2 submissions from 2 submitters: Uncertain significance (1). 1 of the submissions does not count toward it. Last evaluated 2023-06-30.

Conditions:
Retinitis pigmentosa 54 (RP54). Identifiers: Orphanet 791, MedGen C3150691, MONDO:0013263, OMIM 613428.

Allele frequency attached by ClinVar (database versions not stated): gnomAD exomes below 0.00001.
gnomAD v4.1: 1 of 1,614,170 alleles (0.000062%); highest among the groups gnomAD compares: Non-Finnish European, 0.000085%; no homozygotes.

Submissions (2):

Labcorp Genetics (formerly Invitae), Labcorp
Classification: Uncertain significance. Last evaluated: 2023-06-30. Review status: criteria provided, single submitter. Criteria: Invitae Variant Classification Sherloc (09022015). Collection method: clinical testing. Allele origin: germline.
Comment: This sequence change replaces isoleucine, which is neutral and non-polar, with phenylalanine, which is neutral and non-polar, at codon 201 of the PCARE protein (p.Ile201Phe). This variant is present in population databases (rs267606690, gnomAD 0.0009%). This missense change has been observed in individuals with retinitis pigmentosa (PMID: 20398886; Invitae). ClinVar contains an entry for this variant (Variation ID: 102). An algorithm developed to predict the effect of missense changes on protein structure and function (PolyPhen-2) suggests that this variant is likely to be disruptive. Experimental studies have shown that this missense change affects PCARE function (PMID: 32312818). In summary, the available evidence is currently insufficient to determine the role of this variant in disease. Therefore, it has been classified as a Variant of Uncertain Significance.

OMIM
Classification: Pathogenic for RETINITIS PIGMENTOSA 54. Last evaluated: 2010-05-14. Review status: no assertion criteria provided. Collection method: literature only. Allele origin: germline. Not counted in ClinVar's aggregate classification.

Literature cited by the submitters: PubMed 20398886 (cited by Labcorp Genetics (formerly Invitae), Labcorp and OMIM); PubMed 32312818 (cited by Labcorp Genetics (formerly Invitae), Labcorp).